The following is an entry in ClinVar:

NM_001363711.2(DUOX2):c.3966C>T (p.Ser1322=)

Gene: DUOX2 (dual oxidase 2; minus strand). Cytogenetic location: 15q21.1.
Variant type: single nucleotide variant.
Coding change: c.3966C>T on transcript NM_001363711.2 (MANE Select); coding-DNA position 3966, C replaced by T.
Protein change: p.Ser1322=; no amino-acid change (serine 1322 retained).
Molecular consequence: synonymous variant.
Genome position (GRCh38, 1-based): chr15:45,095,942, G>A on the plus strand (C>T on the coding strand, the complement: DUOX2 is on the minus strand). VCF-style: chr15-45095942-G-A. GRCh37 (hg19) VCF-style: chr15-45388140-G-A.
Other names: p.Ser1322=; c.3966C>T, p.Ser1322= (NM_014080.5).
Identifiers: ClinVar variation 260325 (VCV000260325.20), dbSNP rs61730032, ClinGen allele CA7537681.

ClinVar aggregate classification (germline): Benign/Likely benign. Review status: criteria provided, multiple submitters, no conflicts (2 of 4 stars). 7 submissions from 7 submitters: Benign (5); Likely benign (2). Last evaluated 2026-05-11.

Conditions:
Thyroid dyshormonogenesis 6 (TDH6). Also called: HYPOTHYROIDISM, CONGENITAL, DUE TO DYSHORMONOGENESIS, 6; Genetic transient congenital hypothyroidism; THYROID HORMONOGENESIS, GENETIC DEFECT IN, 6. Identifiers: Orphanet 226316, Orphanet 95716, MedGen C1846632, MONDO:0011792, OMIM 607200.

Allele frequency attached by ClinVar (database versions not stated): gnomAD 0.02540 and 0.02613; ExAC 0.01681; TOPMed 0.02671; 1000 Genomes Project 0.02935; 1000 Genomes Project 30x 0.03045; ESP Exome Variant Server 0.02948.
gnomAD v4.1: 26,678 of 1,613,966 alleles (1.7%); highest among the groups gnomAD compares: African/African-American, 5.9%; 359 homozygotes.

Submissions (7):

Women's Health and Genetics/Laboratory Corporation of America, LabCorp
Classification: Benign. Last evaluated: 2026-05-11. Review status: criteria provided, single submitter. Criteria: LabCorp Variant Classification Summary - May 2015. Collection method: clinical testing. Allele origin: germline.

Labcorp Genetics (formerly Invitae), Labcorp
Classification: Benign. Last evaluated: 2026-02-03. Review status: criteria provided, single submitter. Criteria: Invitae Variant Classification Sherloc (09022015). Collection method: clinical testing. Allele origin: germline.

Mayo Clinic Laboratories, Mayo Clinic
Classification: Benign. Last evaluated: 2024-09-26. Review status: criteria provided, single submitter. Criteria: ACMG Guidelines, 2015. Collection method: clinical testing. Allele origin: germline. Observed: 1 variant allele.

GeneDx
Classification: Benign. Last evaluated: 2018-07-14. Review status: criteria provided, single submitter. Criteria: GeneDx Variant Classification Process June 2021. Collection method: clinical testing. Allele origin: germline. Affected: yes.

Illumina Laboratory Services, Illumina
Classification: Likely benign for Thyroid dyshormonogenesis 6. Last evaluated: 2018-01-12. Review status: criteria provided, single submitter. Criteria: ICSL Variant Classification Criteria 13 December 2019. Collection method: clinical testing. Allele origin: germline.
Comment: This variant was observed in the ICSL laboratory as part of a predisposition screen in an ostensibly healthy population. It had not been previously curated by ICSL or reported in the Human Gene Mutation Database (HGMD: prior to June 1st, 2018), and was therefore a candidate for classification through an automated scoring system. Utilizing variant allele frequency, disease prevalence and penetrance estimates, and inheritance mode, an automated score was calculated to assess if this variant is too frequent to cause the disease. Based on the score and internal cut-off values, a variant classified as likely benign is not then subjected to further curation. The score for this variant resulted in a classification of likely benign for this disease.

Breakthrough Genomics
Classification: Likely benign. Review status: criteria provided, single submitter. Criteria: ACMG Guidelines, 2015. Collection method: not provided. Allele origin: germline. Inheritance: Autosomal recessive inheritance. Affected: yes.

PreventionGenetics, part of Exact Sciences
Classification: Benign. Review status: criteria provided, single submitter. Criteria: ACMG Guidelines, 2015. Collection method: clinical testing. Allele origin: germline.